The following is an entry in ClinVar:

ClinVar aggregate classification (germline): Pathogenic. Review status: criteria provided, multiple submitters, no conflicts (2 of 4 stars). 3 submissions from 3 submitters: Pathogenic (3). Last evaluated 2025-06-01.

Conditions:
Telangiectasia, hereditary hemorrhagic, type 2 (HHT2). Also called: Telangiectasia, hereditary hemorrhagic, type II; ACVRL1-Related Hereditary Hemorrhagic Telangiectasia. Identifiers: Orphanet 774, MedGen C1838163, MONDO:0010880, OMIM 600376. Disease mechanism: loss of function.

Submissions (3):

CeGaT Center for Human Genetics Tuebingen
Classification: Pathogenic. Last evaluated: 2025-06-01. Review status: criteria provided, single submitter. Criteria: CeGaT Center For Human Genetics Tuebingen Variant Classification Criteria Version 2. Collection method: clinical testing. Allele origin: germline. Affected: yes. Observed: 1 variant allele.
Comment: ACVRL1: PVS1, PM2

Labcorp Genetics (formerly Invitae), Labcorp
Classification: Pathogenic for Telangiectasia, hereditary hemorrhagic, type 2. Last evaluated: 2025-03-30. Review status: criteria provided, single submitter. Criteria: Invitae Variant Classification Sherloc (09022015). Collection method: clinical testing. Allele origin: germline.
Comment: This sequence change creates a premature translational stop signal (p.Tyr213*) in the ACVRL1 gene. It is expected to result in an absent or disrupted protein product. Loss-of-function variants in ACVRL1 are known to be pathogenic (PMID: 15879500). This variant is not present in population databases (gnomAD no frequency). This variant has not been reported in the literature in individuals affected with ACVRL1-related conditions. ClinVar contains an entry for this variant (Variation ID: 432170). Algorithms developed to predict the effect of sequence changes on RNA splicing suggest that this variant may disrupt the consensus splice site. For these reasons, this variant has been classified as Pathogenic.

GeneDx
Classification: Pathogenic. Last evaluated: 2019-09-23. Review status: criteria provided, single submitter. Criteria: GeneDx Variant Classification Process June 2021. Collection method: clinical testing. Allele origin: germline. Affected: yes.
Comment: Nonsense variant predicted to result in protein truncation [or nonsense mediated decay] in a gene for which loss-of-function is a known mechanism of disease; Not observed in large population cohorts (Lek et al., 2016)

Literature cited by the submitters: PubMed 15879500 (cited by Labcorp Genetics (formerly Invitae), Labcorp).

NM_000020.3(ACVRL1):c.639T>G (p.Tyr213Ter)

Gene: ACVRL1 (activin A receptor like type 1; plus strand). Cytogenetic location: 12q13.13.
Variant type: single nucleotide variant.
Coding change: c.639T>G on transcript NM_000020.3 (MANE Select); coding-DNA position 639, T replaced by G.
Protein change: p.Tyr213Ter; replaces tyrosine 213 with a stop codon.
Molecular consequence: nonsense.
Genome position (GRCh38, 1-based): chr12:51,914,452, T>G. VCF-style: chr12-51914452-T-G. GRCh37 (hg19) VCF-style: chr12-52308236-T-G.
Other names: c.639T>G, p.Tyr213Ter (NM_001077401.2); short protein forms Y213*.
Identifiers: ClinVar variation 432170 (VCV000432170.13), dbSNP rs962224649, ClinGen allele CA384899973.
Genomic context (GRCh38, chr12:51,914,452, plus strand): 5'-CTCTGTGTGCCCAGTGTGTAACCCTCACCTTCCCCTCTGGCCATCAGGAAAAGGCCGCTA[T>G]GGCGAAGTGTGGCGGGGCTTGTGGCACGGTGAGAGTGTGGCCGTCAAGATCTTCTCCTCG-3'